The following is an entry in ClinVar:

ClinVar aggregate classification (germline): Uncertain significance (1 of 4 stars; one submission).

Conditions:
Gnathodiaphyseal dysplasia (GDD). Also called: GNATHODIAPHYSEAL SCLEROSIS; OSTEOGENESIS IMPERFECTA WITH UNUSUAL SKELETAL LESIONS. Identifiers: Orphanet 53697, MedGen C1833736, MONDO:0008151, OMIM 166260.
Autosomal recessive limb-girdle muscular dystrophy type 2L (LGMDR12). Also called: Limb-girdle muscular dystrophy, type 2L; Limb-Girdle Muscular Dystrophy R12 Anoctamin-5-Related (LGMD-R12); MUSCULAR DYSTROPHY, LIMB-GIRDLE, AUTOSOMAL RECESSIVE 12. Identifiers: Orphanet 206549, MedGen C1969785, MONDO:0012652, OMIM 611307.

Allele frequency attached by ClinVar (database versions not stated): gnomAD exomes below 0.00001 and 0.00001; gnomAD 0.00003; TOPMed 0.00003.
gnomAD v4.1: 16 of 1,612,826 alleles (0.00099%); highest among the groups gnomAD compares: Non-Finnish European, 0.0014%; no homozygotes.

Submission:

Labcorp Genetics (formerly Invitae), Labcorp
Classification: Uncertain significance for Autosomal recessive limb-girdle muscular dystrophy type 2L; Gnathodiaphyseal dysplasia. Last evaluated: 2026-01-23. Review status: criteria provided, single submitter. Criteria: Invitae Variant Classification Sherloc (09022015). Collection method: clinical testing. Allele origin: germline.
Comment: This sequence change replaces lysine, which is basic and polar, with glutamine, which is neutral and polar, at codon 897 of the ANO5 protein (p.Lys897Gln). This variant is present in population databases (no rsID available, gnomAD 0.0009%). This variant has not been reported in the literature in individuals affected with ANO5-related conditions. ClinVar contains an entry for this variant (Variation ID: 934950). Invitae Evidence Modeling of protein sequence and biophysical properties (such as structural, functional, and spatial information, amino acid conservation, physicochemical variation, residue mobility, and thermodynamic stability) indicates that this missense variant is not expected to disrupt ANO5 protein function with a negative predictive value of 80%. In summary, the available evidence is currently insufficient to determine the role of this variant in disease. Therefore, it has been classified as a Variant of Uncertain Significance.

NM_213599.3(ANO5):c.2689A>C (p.Lys897Gln)

Gene: ANO5 (anoctamin 5; plus strand). Cytogenetic location: 11p14.3.
Variant type: single nucleotide variant.
Coding change: c.2689A>C on transcript NM_213599.3 (MANE Select); coding-DNA position 2689, A replaced by C.
Protein change: p.Lys897Gln; replaces lysine 897 with glutamine.
Molecular consequence: missense variant.
Genome position (GRCh38, 1-based): chr11:22,279,712, A>C. VCF-style: chr11-22279712-A-C. GRCh37 (hg19) VCF-style: chr11-22301258-A-C.
Other names: c.2686A>C, p.Lys896Gln (NM_001142649.2); short protein forms K896Q, K897Q.
Identifiers: ClinVar variation 934950 (VCV000934950.10), dbSNP rs1474144803, ClinGen allele CA379925367.